The following is an entry in ClinVar:

ClinVar aggregate classification (germline): Uncertain significance. Review status: criteria provided, multiple submitters, no conflicts (2 of 4 stars). 2 submissions from 2 submitters: Uncertain significance (2). Last evaluated 2021-08-20.

Conditions:
Cardiomyopathy, dilated, 2E. Identifiers: MedGen C5561970, MONDO:0030366, OMIM 619492.
Hypertrophic cardiomyopathy 17. Identifiers: MedGen C3151264, MONDO:0013474, OMIM 613873.

Allele frequency attached by ClinVar (database versions not stated): gnomAD 0.00001 and 0.00028; 1000 Genomes Project 0.00180; 1000 Genomes Project 30x 0.00187; TOPMed 0.00003.

Submissions (2):

Fulgent Genetics
Classification: Uncertain significance for Hypertrophic cardiomyopathy 17; Cardiomyopathy, dilated, 2E. Last evaluated: 2021-08-20. Review status: criteria provided, single submitter. Criteria: ACMG Guidelines, 2015. Collection method: clinical testing. Allele origin: unknown.

Biesecker Lab/Clinical Genomics Section, National Institutes of Health
Classification: Uncertain significance. Last evaluated: 2013-06-24. Review status: criteria provided, single submitter. Criteria: Ng et al. (Circ Cardiovasc Genet. 2013). Collection method: research. Allele origin: unknown. Observed: 1 variant allele. Study: ClinSeq.
Comment: The study set was not selected for affection status in relation to any cancer. Pathogenicity categories were based on literature curation. See Pubmed ID:23861362 for details.

Medical sequencing

NM_020433.5(JPH2):c.*15A>T

Gene: JPH2 (junctophilin 2; minus strand). Cytogenetic location: 20q13.12.
Variant type: single nucleotide variant.
Coding change: c.*15A>T on transcript NM_020433.5 (MANE Select); 15 bases downstream of the stop codon, A replaced by T.
Molecular consequence: 3 prime UTR variant.
Genome position (GRCh38, 1-based): chr20:44,113,503, T>A on the plus strand (A>T on the coding strand, the complement: JPH2 is on the minus strand). VCF-style: chr20-44113503-T-A. GRCh37 (hg19) VCF-style: chr20-42742143-T-A.
Identifiers: ClinVar variation 191667 (VCV000191667.2), dbSNP rs561604738, ClinGen allele CA237198.